The following is an entry in ClinVar:

ClinVar aggregate classification (germline): Uncertain significance (1 of 4 stars; one submission).

Conditions:
Encephalopathy, acute, infection-induced (herpes-specific), susceptibility to, 1. Also called: Herpes simplex encephalitis, susceptibility to, 1. Identifiers: Orphanet 1930, MedGen C2750180, MONDO:0024563, OMIM 610551.

Allele frequency attached by ClinVar (database versions not stated): gnomAD exomes 0.00003; TOPMed 0.00004.

Submission:

Labcorp Genetics (formerly Invitae), Labcorp
Classification: Uncertain significance for Encephalopathy, acute, infection-induced (herpes-specific), susceptibility to, 1. Last evaluated: 2022-03-13. Review status: criteria provided, single submitter. Criteria: Invitae Variant Classification Sherloc (09022015). Collection method: clinical testing. Allele origin: germline.
Comment: This sequence change replaces arginine, which is basic and polar, with serine, which is neutral and polar, at codon 54 of the UNC93B1 protein (p.Arg54Ser). The frequency data for this variant in the population databases is considered unreliable, as metrics indicate poor data quality at this position in the gnomAD database. This variant has not been reported in the literature in individuals affected with UNC93B1-related conditions. ClinVar contains an entry for this variant (Variation ID: 960684). Experimental studies and prediction algorithms are not available or were not evaluated, and the functional significance of this variant is currently unknown. In summary, the available evidence is currently insufficient to determine the role of this variant in disease. Therefore, it has been classified as a Variant of Uncertain Significance.

NM_030930.4(UNC93B1):c.160C>A (p.Arg54Ser)

Genes: UNC93B1 (unc-93B1 regulator of TLR signaling; minus strand), LOC130006235 (ATAC-STARR-seq lymphoblastoid silent region 3653; plus strand). Cytogenetic location: 11q13.2.
Variant type: single nucleotide variant.
Coding change: c.160C>A on transcript NM_030930.4 (MANE Select); coding-DNA position 160, C replaced by A.
Protein change: p.Arg54Ser; replaces arginine 54 with serine.
Molecular consequence: missense variant.
Genome position (GRCh38, 1-based): chr11:68,003,735, G>T on the plus strand (C>A on the coding strand, the complement: UNC93B1 is on the minus strand). VCF-style: chr11-68003735-G-T. GRCh37 (hg19) VCF-style: chr11-67771205-G-T.
Other names: short protein forms R54S.
Identifiers: ClinVar variation 960684 (VCV000960684.5), dbSNP rs979062164, ClinGen allele CA224219157.